The following is an entry in ClinVar:

ClinVar aggregate classification (germline): Benign. Review status: criteria provided, multiple submitters, no conflicts (2 of 4 stars). 5 submissions from 5 submitters: Benign (4). 1 of the submissions does not count toward it. Last evaluated 2026-02-01.

Conditions:
Compton-North congenital myopathy (CMYO12). Identifiers: Orphanet 210163, MedGen C2675527, MONDO:0012929, OMIM 612540.

Allele frequency attached by ClinVar (database versions not stated): gnomAD exomes 0.00379 and 0.01004; ExAC 0.01206; 1000 Genomes Project 0.03315; gnomAD 0.03490 and 0.03763; 1000 Genomes Project 30x 0.03576; TOPMed 0.03934; ESP Exome Variant Server 0.04244.
gnomAD v4.1: 11,039 of 1,613,680 alleles (0.68%); highest among the groups gnomAD compares: African/African-American, 12%; 580 homozygotes.

Submissions (5):

Labcorp Genetics (formerly Invitae), Labcorp
Classification: Benign for Compton-North congenital myopathy. Last evaluated: 2026-02-01. Review status: criteria provided, single submitter. Criteria: Invitae Variant Classification Sherloc (09022015). Collection method: clinical testing. Allele origin: germline.

GeneDx
Classification: Benign. Last evaluated: 2016-05-04. Review status: criteria provided, single submitter. Criteria: GeneDx Variant Classification (06012015). Collection method: clinical testing. Allele origin: germline. Affected: yes.
Comment: This variant is considered likely benign or benign based on one or more of the following criteria: it is a conservative change, it occurs at a poorly conserved position in the protein, it is predicted to be benign by multiple in silico algorithms, and/or has population frequency not consistent with disease.

Breakthrough Genomics
Classification: Benign. Review status: criteria provided, single submitter. Criteria: ACMG Guidelines, 2015. Collection method: not provided. Allele origin: germline. Inheritance: Autosomal recessive inheritance. Affected: yes.

PreventionGenetics, part of Exact Sciences
Classification: Benign. Review status: criteria provided, single submitter. Criteria: ACMG Guidelines, 2015. Collection method: clinical testing. Allele origin: germline.

Genetic Services Laboratory, University of Chicago
Classification: Likely benign for AllHighlyPenetrant. Review status: no assertion criteria provided. Collection method: clinical testing. Allele origin: germline. Inheritance: Autosomal recessive inheritance. Not counted in ClinVar's aggregate classification.
Comment: Likely benign based on allele frequency in 1000 Genomes Project or ESP global frequency and its presence in a patient with a rare or unrelated disease phenotype. NOT Sanger confirmed.

NM_001843.4(CNTN1):c.1893T>C (p.His631=)

Gene: CNTN1 (contactin 1; plus strand). Cytogenetic location: 12q12.
Variant type: single nucleotide variant.
Coding change: c.1893T>C on transcript NM_001843.4 (MANE Select); coding-DNA position 1893, T replaced by C.
Protein change: p.His631=; no amino-acid change (histidine 631 retained).
Molecular consequence: synonymous variant.
Genome position (GRCh38, 1-based): chr12:40,980,997, T>C. VCF-style: chr12-40980997-T-C. GRCh37 (hg19) VCF-style: chr12-41374799-T-C.
Other names: c.1860T>C, p.His620= (NM_175038.2).
Identifiers: ClinVar variation 128792 (VCV000128792.18), dbSNP rs2229929, ClinGen allele CA152440.
Genomic context (GRCh38, chr12:40,980,997, plus strand): 5'-AATAGAAGACATTAGAGCCACTTCTGTGGCACTTACTTGGAGCCGTGGTTCAGACAATCA[T>C]AGTCCTATTTCTAAATACACTATCCAGACCAAGACTATTCTTTCAGATGACTGGAAAGAT-3'
Protein context (NP_001834.2, residues 621-641): ALTWSRGSDN[His631=]SPISKYTIQT